The following is an entry in ClinVar:

NM_017617.5(NOTCH1):c.7315A>C (p.Ser2439Arg)

Gene: NOTCH1 (notch receptor 1; minus strand). Cytogenetic location: 9q34.3.
Variant type: single nucleotide variant.
Coding change: c.7315A>C on transcript NM_017617.5 (MANE Select); coding-DNA position 7315, A replaced by C.
Protein change: p.Ser2439Arg; replaces serine 2439 with arginine.
Molecular consequence: missense variant.
Genome position (GRCh38, 1-based): chr9:136,496,424, T>G on the plus strand (A>C on the coding strand, the complement: NOTCH1 is on the minus strand). VCF-style: chr9-136496424-T-G. GRCh37 (hg19) VCF-style: chr9-139390876-T-G.
Other names: c.7315A>C (NM_017617.3); short protein forms S2439R.
Identifiers: ClinVar variation 1463448 (VCV001463448.9), dbSNP rs942055234, ClinGen allele CA201632645.

ClinVar aggregate classification (germline): Conflicting classifications of pathogenicity. Review status: criteria provided, conflicting classifications (1 of 4 stars). 2 submissions from 2 submitters: Uncertain significance (1); Likely benign (1). Last evaluated 2025-08-20.

Conditions:
Adams-Oliver syndrome 5 (AOS5). Identifiers: Orphanet 974, MedGen C4014970, MONDO:0014459, OMIM 616028.
Familial thoracic aortic aneurysm and aortic dissection (TAAD). Also called: Thoracic aortic aneurysms and dissections. Identifiers: Orphanet 91387, MedGen C4707243, MONDO:0019625.

Allele frequency attached by ClinVar (database versions not stated): gnomAD 0.00001; TOPMed 0.00001.
gnomAD v4.1: 1 of 1,599,548 alleles (0.000063%); highest among the groups gnomAD compares: African/African-American, 0.0013%; no homozygotes.

Submissions (2):

Ambry Genetics
Classification: Uncertain significance for Familial thoracic aortic aneurysm and aortic dissection. Last evaluated: 2025-08-20. Review status: criteria provided, single submitter. Criteria: Ambry Variant Classification Scheme 2023. Collection method: clinical testing. Allele origin: germline.
Comment: The p.S2439R variant (also known as c.7315A>C), located in coding exon 34 of the NOTCH1 gene, results from an A to C substitution at nucleotide position 7315. The serine at codon 2439 is replaced by arginine, an amino acid with dissimilar properties. This amino acid position is conserved. In addition, this alteration is predicted to be tolerated by in silico analysis. Based on the available evidence, the clinical significance of this variant remains unclear.

Labcorp Genetics (formerly Invitae), Labcorp
Classification: Likely benign for Adams-Oliver syndrome 5. Last evaluated: 2023-10-22. Review status: criteria provided, single submitter. Criteria: Invitae Variant Classification Sherloc (09022015). Collection method: clinical testing. Allele origin: germline.